The following is an entry in ClinVar:

NM_006000.3(TUBA4A):c.1049G>T (p.Gly350Val)

Gene: TUBA4A (tubulin alpha 4a; minus strand). Cytogenetic location: 2q35.
Variant type: single nucleotide variant.
Coding change: c.1049G>T on transcript NM_006000.3 (MANE Select); coding-DNA position 1049, G replaced by T.
Protein change: p.Gly350Val; replaces glycine 350 with valine.
Molecular consequence: missense variant.
Genome position (GRCh38, 1-based): chr2:219,250,650, C>A on the plus strand (G>T on the coding strand, the complement: TUBA4A is on the minus strand). VCF-style: chr2-219250650-C-A. GRCh37 (hg19) VCF-style: chr2-220115372-C-A.
Other names: c.1004G>T, p.Gly335Val (NM_001278552.2); short protein forms G335V, G350V.
Identifiers: ClinVar variation 4857651 (VCV004857651.1).

ClinVar aggregate classification (germline): Pathogenic (1 of 4 stars; one submission).

Conditions:
Myo-tubulinopathy.

Submission:

Harry Perkins Institute Of Medical Research, University Of Western Australia
Classification: Pathogenic for Myo-tubulinopathy. Review status: criteria provided, single submitter. Criteria: ACMG Guidelines, 2015. Collection method: research. Allele origin: de novo. Inheritance: Autosomal dominant inheritance. Affected: yes. Observed: 1 variant allele.
Comment: PP3_Strong, PM2_Supporting, PP2_Supporting, PS2_strong

Literature cited by the submitters: PubMed 40666348.